The following is an entry in ClinVar:

ClinVar aggregate classification (germline): Pathogenic/Likely pathogenic. Review status: criteria provided, multiple submitters, no conflicts (2 of 4 stars). 6 submissions from 6 submitters: Pathogenic (3); Likely pathogenic (3). Last evaluated 2026-10-14.

Conditions:
NDUFAF2-related disorder. Also called: NDUFAF2-related disorders.
Mitochondrial complex I deficiency, nuclear type 10. Also called: Mitochondrial complex 1 deficiency, nuclear type 10. Identifiers: MedGen C4748768, MONDO:0032616, OMIM 618233.
Leigh syndrome (NULS). Also called: Leigh Syndrome (mtDNA deletion); Leigh's syndrome; Leigh Disease; Subacute necrotizing encephalopathy; Necrotizing encephalopathy infantile subacute of Leigh; LEIGH SYNDROME, NUCLEAR. Identifiers: Orphanet 506, MedGen C2931891, MONDO:0009723, OMIM 256000.

Allele frequency attached by ClinVar (database versions not stated): TOPMed 0.00002; ExAC 0.00001; gnomAD 0.00001; gnomAD exomes 0.00002.
gnomAD v4.1: 36 of 1,597,952 alleles (0.0023%); highest among the groups gnomAD compares: Admixed American, 0.0034%; no homozygotes.

Submissions (6):

GeneDx
Classification: Pathogenic. Last evaluated: 2026-10-14. Review status: criteria provided, single submitter. Criteria: GeneDx Variant Classification Process June 2021. Collection method: clinical testing. Allele origin: germline.
Comment: Nonsense variant predicted to result in protein truncation, as the last 96 amino acid(s) are lost, and other loss-of-function variants have been reported downstream in HGMD; Not observed at significant frequency in large population cohorts (gnomAD); This variant is associated with the following publications: (PMID: 25525159, 27861786, 34234304, 20818383, 21364701)

Labcorp Genetics (formerly Invitae), Labcorp
Classification: Likely pathogenic. Last evaluated: 2025-10-22. Review status: criteria provided, single submitter. Criteria: Invitae Variant Classification Sherloc (09022015). Collection method: clinical testing. Allele origin: germline.
Comment: This sequence change creates a premature translational stop signal (p.Trp74*) in the NDUFAF2 gene. While this is not anticipated to result in nonsense mediated decay, it is expected to disrupt the last 96 amino acid(s) of the NDUFAF2 protein. This variant is present in population databases (rs772294726, gnomAD 0.006%). This premature translational stop signal has been observed in individual(s) with clinical features of Leigh syndrome (PMID: 20818383, 34234304). ClinVar contains an entry for this variant (Variation ID: 496555). Algorithms developed to predict the effect of variants on gene product structure and function are not available or were not evaluated for this variant. Experimental studies have shown that this premature translational stop signal affects NDUFAF2 function (PMID: 20818383). Algorithms developed to predict the effect of sequence changes on RNA splicing suggest that this variant may create or strengthen a splice site. In summary, the currently available evidence indicates that the variant is pathogenic, but additional data are needed to prove that conclusively. Therefore, this variant has been classified as Likely Pathogenic.

Fulgent Genetics
Classification: Likely pathogenic for Mitochondrial complex I deficiency, nuclear type 10. Last evaluated: 2024-06-17. Review status: criteria provided, single submitter. Criteria: ACMG Guidelines, 2015. Collection method: clinical testing. Allele origin: germline.

Blueprint Genetics
Classification: Likely pathogenic for NDUFAF2-related disorders. Last evaluated: 2024-01-17. Review status: criteria provided, single submitter. Criteria: ACMG Guidelines, 2015. Collection method: clinical testing. Allele origin: germline. Affected: yes. Observed: 5 variant alleles.

Mayo Clinic Laboratories, Mayo Clinic
Classification: Pathogenic. Last evaluated: 2024-01-04. Review status: criteria provided, single submitter. Criteria: ACMG Guidelines, 2015. Collection method: clinical testing. Allele origin: germline. Observed: 2 variant alleles.
Comment: PP4, PM2_moderate, PM3, PVS1_strong

Women's Health and Genetics/Laboratory Corporation of America, LabCorp
Classification: Pathogenic for Leigh syndrome. Last evaluated: 2016-09-29. Review status: criteria provided, single submitter. Criteria: LabCorp Variant Classification Summary - May 2015. Collection method: clinical testing. Allele origin: germline.
Comment: Variant summary: The NDUFAF2 c.221G>A (p.Trp74X) variant results in a premature termination codon, predicted to cause a truncated or absent NDUFAF2 protein due to nonsense mediated decay, which are commonly known mechanisms for disease. One in silico tool predicts a damaging outcome for this variant. This variant was found in 1/120338 control chromosomes at a frequency of 0.0000083, which does not exceed the estimated maximal expected allele frequency of a pathogenic NDUFAF2 variant (0.00125). Additionally, this variant was identified in at least one Leigh Syndrome patient reported in the literature in homozygous state. Fibroblasts from this patient show that the variant results in occasional exon 3 skipping, but most notably, no detectable protein product (Calvo_Nat Genet_2010). Taken together, this variant is classified as pathogenic.

Literature cited by the submitters: PubMed 20818383 (cited by 3 submitters); PubMed 34234304 (cited by Labcorp Genetics (formerly Invitae), Labcorp and Mayo Clinic Laboratories, Mayo Clinic); PubMed 21364701 (cited by Mayo Clinic Laboratories, Mayo Clinic); PubMed 21924235 (cited by Mayo Clinic Laboratories, Mayo Clinic); PubMed 22664328 (cited by Mayo Clinic Laboratories, Mayo Clinic); PubMed 25525159 (cited by Mayo Clinic Laboratories, Mayo Clinic); PubMed 27861786 (cited by Mayo Clinic Laboratories, Mayo Clinic); PubMed 34069703 (cited by Mayo Clinic Laboratories, Mayo Clinic).

NM_174889.5(NDUFAF2):c.221G>A (p.Trp74Ter)

Gene: NDUFAF2 (NADH:ubiquinone oxidoreductase complex assembly factor 2; plus strand). Cytogenetic location: 5q12.1.
Variant type: single nucleotide variant.
Coding change: c.221G>A on transcript NM_174889.5 (MANE Select); coding-DNA position 221, G replaced by A.
Protein change: p.Trp74Ter; replaces tryptophan 74 with a stop codon.
Molecular consequence: nonsense.
Genome position (GRCh38, 1-based): chr5:61,098,995, G>A. VCF-style: chr5-61098995-G-A. GRCh37 (hg19) VCF-style: chr5-60394822-G-A.
Other names: p.Trp74*; short protein forms W74*.
Identifiers: ClinVar variation 496555 (VCV000496555.18), dbSNP rs772294726, ClinGen allele CA3278149.